The following is an entry in ClinVar:

ClinVar aggregate classification (germline): Pathogenic (1 of 4 stars; one submission).

Conditions:
Bardet-Biedl syndrome (BBS). Identifiers: Orphanet 110, MedGen C0752166, MONDO:0015229.

Submission:

Labcorp Genetics (formerly Invitae), Labcorp
Classification: Pathogenic for Bardet-Biedl syndrome. Last evaluated: 2017-09-26. Review status: criteria provided, single submitter. Criteria: Invitae Variant Classification Sherloc (09022015). Collection method: clinical testing. Allele origin: germline.
Comment: For these reasons, this variant has been classified as Pathogenic. Loss-of-function variants in WDPCP are known to be pathogenic (PMID: 20671153). This variant has not been reported in the literature in individuals with WDPCP-related disease. This variant is an out-of-frame deletion of the genomic region encompassing exons 10-12 of the WDPCP gene. This is expected to create a premature translational stop signal and result in an absent or disrupted protein product.

Literature cited by the submitters: PubMed 20671153.

NC_000002.12:g.(?_63378386)_(63404657_?)del

Gene: WDPCP (WD repeat containing planar cell polarity effector; minus strand). Cytogenetic location: 2p15.
Variant type: Deletion.
Identifiers: ClinVar variation 583791 (VCV000583791.3).